The following is an entry in ClinVar:

ClinVar aggregate classification (germline): Pathogenic (1 of 4 stars; one submission).

Conditions:
Parathyroid carcinoma (PRTC). Also called: CDC73-Related Parathyroid Carcinoma; Parathyroid gland carcinoma. Identifiers: Orphanet 143, MedGen C0687150, MONDO:0012004, OMIM 608266, HP:0006780.

Submission:

Labcorp Genetics (formerly Invitae), Labcorp
Classification: Pathogenic for Parathyroid carcinoma. Last evaluated: 2023-09-14. Review status: criteria provided, single submitter. Criteria: Invitae Variant Classification Sherloc (09022015). Collection method: clinical testing. Allele origin: germline.
Comment: For these reasons, this variant has been classified as Pathogenic. This variant has not been reported in the literature in individuals affected with CDC73-related conditions. This variant is not present in population databases (gnomAD no frequency). This sequence change creates a premature translational stop signal (p.Ser6Thrfs*15) in the CDC73 gene. It is expected to result in an absent or disrupted protein product. Loss-of-function variants in CDC73 are known to be pathogenic (PMID: 12434154).

Literature cited by the submitters: PubMed 12434154.

NM_024529.5(CDC73):c.17del (p.Ser6fs)

Gene: CDC73 (cell division cycle 73; plus strand). Cytogenetic location: 1q31.2.
Variant type: Deletion.
Coding change: c.17del on transcript NM_024529.5 (MANE Select); coding-DNA position 17, one base deleted (G; older notation c.17delG).
Protein change: p.Ser6fs; shifts the reading frame from serine 6.
Molecular consequence: frameshift variant.
Genome position (GRCh38, 1-based): chr1:193,122,217, G deleted. VCF-style (leftmost placement, unchanged base first): chr1-193122216-AG-A. GRCh37 (hg19) VCF-style: chr1-193091346-AG-A.
Other names: short protein forms S6fs.
Identifiers: ClinVar variation 2760655 (VCV002760655.3), dbSNP rs2527280793, ClinGen allele CA2697554801.